The following is an entry in ClinVar:

NM_002468.5(MYD88):c.261C>T (p.Gly87=)

Gene: MYD88 (MYD88 innate immune signal transduction adaptor; plus strand). Cytogenetic location: 3p22.2.
Variant type: single nucleotide variant.
Coding change: c.261C>T on transcript NM_002468.5 (MANE Select); coding-DNA position 261, C replaced by T.
Protein change: p.Gly87=; no amino-acid change (glycine 87 retained).
Molecular consequence: synonymous variant.
Genome position (GRCh38, 1-based): chr3:38,138,961, C>T. VCF-style: chr3-38138961-C-T. GRCh37 (hg19) VCF-style: chr3-38180452-C-T.
Other names: c.261C>T, p.Gly87= (NM_001172566.2, NM_001172567.2, NM_001172568.2 and 3 more transcripts).
Identifiers: ClinVar variation 537304 (VCV000537304.35), dbSNP rs373382593, ClinGen allele CA2316064.
Genomic context (GRCh38, chr3:38,138,961, plus strand): 5'-AGCGGACCCCACTGGCAGGCTGCTGGACGCCTGGCAGGGACGCCCTGGCGCCTCTGTAGG[C>T]CGACTGCTCGAGCTGCTTACCAAGCTGGGCCGCGACGACGTGCTGCTGGAGCTGGGACCC-3'
Protein context (NP_002459.3, residues 77-97): AWQGRPGASV[Gly87=]RLLELLTKLG

ClinVar aggregate classification (germline): Benign/Likely benign. Review status: criteria provided, multiple submitters, no conflicts (2 of 4 stars). 3 submissions from 3 submitters: Benign (1); Likely benign (2). Last evaluated 2025-12-01.

Conditions:
Pyogenic bacterial infections due to MyD88 deficiency (IMD68). Also called: PYOGENIC BACTERIAL INFECTIONS, RECURRENT, DUE TO MYD88 DEFICIENCY. Identifiers: Orphanet 183713, MedGen C2677092, MONDO:0012839, OMIM 612260.

Allele frequency attached by ClinVar (database versions not stated): gnomAD 0.00009 and 0.00020; TOPMed 0.00013; ExAC 0.00031; gnomAD exomes 0.00035; 1000 Genomes Project 30x 0.00047; 1000 Genomes Project 0.00060.
gnomAD v4.1: 412 of 1,609,670 alleles (0.026%); highest among the groups gnomAD compares: South Asian, 0.22%; 9 homozygotes.

Submissions (3):

Labcorp Genetics (formerly Invitae), Labcorp
Classification: Benign for Pyogenic bacterial infections due to MyD88 deficiency. Last evaluated: 2025-12-01. Review status: criteria provided, single submitter. Criteria: Invitae Variant Classification Sherloc (09022015). Collection method: clinical testing. Allele origin: germline.

CeGaT Center for Human Genetics Tuebingen
Classification: Likely benign. Last evaluated: 2025-05-01. Review status: criteria provided, single submitter. Criteria: CeGaT Center For Human Genetics Tuebingen Variant Classification Criteria Version 2. Collection method: clinical testing. Allele origin: germline. Affected: yes. Observed: 3 variant alleles.
Comment: MYD88: BP4, BP7

Blueprint Genetics
Classification: Likely benign. Last evaluated: 2024-11-25. Review status: criteria provided, single submitter. Criteria: ACMG Guidelines, 2015. Collection method: clinical testing. Allele origin: germline.